The following is an entry in ClinVar:

NM_001686.4(ATP5F1B):c.1053G>C (p.Lys351Asn)

Gene: ATP5F1B (ATP synthase F1 subunit beta; minus strand). Cytogenetic location: 12q13.3.
Variant type: single nucleotide variant.
Coding change: c.1053G>C on transcript NM_001686.4 (MANE Select); coding-DNA position 1053, G replaced by C.
Protein change: p.Lys351Asn; replaces lysine 351 with asparagine.
Molecular consequence: missense variant.
Genome position (GRCh38, 1-based): chr12:56,642,479, C>G on the plus strand (G>C on the coding strand, the complement: ATP5F1B is on the minus strand). VCF-style: chr12-56642479-C-G. GRCh37 (hg19) VCF-style: chr12-57036263-C-G.
Other names: short protein forms K351N.
Identifiers: ClinVar variation 3389285 (VCV003389285.14).

ClinVar aggregate classification (germline): Uncertain significance (1 of 4 stars; one submission).

Submission:

CeGaT Center for Human Genetics Tuebingen
Classification: Uncertain significance. Last evaluated: 2024-09-01. Review status: criteria provided, single submitter. Criteria: CeGaT Center For Human Genetics Tuebingen Variant Classification Criteria Version 2. Collection method: clinical testing. Allele origin: germline. Affected: yes. Observed: 1 variant allele.
Comment: ATP5F1B: PM2, PP2